The following is an entry in ClinVar:

ClinVar aggregate classification (germline): Uncertain significance (1 of 4 stars; one submission).

Conditions:
Congenital contractural arachnodactyly (CCA). Also called: Beals-Hecht syndrome; BEALS SYNDROME; Arthrogryposis, distal, type 9. Identifiers: Orphanet 115, MedGen C0220668, MONDO:0007363, OMIM 121050.

Allele frequency attached by ClinVar (database versions not stated): gnomAD 0.00001; gnomAD exomes 0.00001; TOPMed 0.00001; ExAC 0.00002.
gnomAD v4.1: 19 of 1,614,048 alleles (0.0012%); highest among the groups gnomAD compares: Non-Finnish European, 0.0015%; no homozygotes.

Submission:

Labcorp Genetics (formerly Invitae), Labcorp
Classification: Uncertain significance for Congenital contractural arachnodactyly. Last evaluated: 2024-12-23. Review status: criteria provided, single submitter. Criteria: Invitae Variant Classification Sherloc (09022015). Collection method: clinical testing. Allele origin: germline.
Comment: This sequence change replaces arginine, which is basic and polar, with cysteine, which is neutral and slightly polar, at codon 906 of the FBN2 protein (p.Arg906Cys). This variant is present in population databases (rs763094104, gnomAD 0.0009%). This variant has not been reported in the literature in individuals affected with FBN2-related conditions. ClinVar contains an entry for this variant (Variation ID: 528406). Invitae Evidence Modeling of protein sequence and biophysical properties (such as structural, functional, and spatial information, amino acid conservation, physicochemical variation, residue mobility, and thermodynamic stability) indicates that this missense variant is not expected to disrupt FBN2 protein function with a negative predictive value of 80%. In summary, the available evidence is currently insufficient to determine the role of this variant in disease. Therefore, it has been classified as a Variant of Uncertain Significance.

NM_001999.4(FBN2):c.2716C>T (p.Arg906Cys)

Gene: FBN2 (fibrillin 2; minus strand). Cytogenetic location: 5q23.3.
Variant type: single nucleotide variant.
Coding change: c.2716C>T on transcript NM_001999.4 (MANE Select); coding-DNA position 2716, C replaced by T.
Protein change: p.Arg906Cys; replaces arginine 906 with cysteine.
Molecular consequence: missense variant.
Genome position (GRCh38, 1-based): chr5:128,350,964, G>A on the plus strand (C>T on the coding strand, the complement: FBN2 is on the minus strand). VCF-style: chr5-128350964-G-A. GRCh37 (hg19) VCF-style: chr5-127686656-G-A.
Other names: short protein forms R906C.
Identifiers: ClinVar variation 528406 (VCV000528406.9), dbSNP rs763094104, ClinGen allele CA3395467.